The following is an entry in ClinVar:

NM_003590.5(CUL3):c.1754C>G (p.Ser585Cys)

Gene: CUL3 (cullin 3; minus strand). Cytogenetic location: 2q36.2.
Variant type: single nucleotide variant.
Coding change: c.1754C>G on transcript NM_003590.5 (MANE Select); coding-DNA position 1754, C replaced by G.
Protein change: p.Ser585Cys; replaces serine 585 with cysteine.
Molecular consequence: missense variant.
Genome position (GRCh38, 1-based): chr2:224,495,920, G>C on the plus strand (C>G on the coding strand, the complement: CUL3 is on the minus strand). VCF-style: chr2-224495920-G-C. GRCh37 (hg19) VCF-style: chr2-225360637-G-C.
Other names: c.1556C>G, p.Ser519Cys (NM_001257197.2); c.1772C>G, p.Ser591Cys (NM_001257198.2); short protein forms S519C, S585C, S591C.
Identifiers: ClinVar variation 2842696 (VCV002842696.3), dbSNP rs2106180071, ClinGen allele CA350824967.
Genomic context (GRCh38, chr2:224,495,920, plus strand): 5'-AAGAGCATTAATATGGTCATCTGGAAAGTGGAAACTTGCAATATGTGCTTCCGTGTATTA[G>C]AGCCAGTTACTTGTGCACCTCCAACACCAACTTCAGATCCATCTTCCTGTTTCATTTTTA-3'
Protein context (NP_003581.1, residues 575-595): VGVGGAQVTG[Ser585Cys]NTRKHILQVS

ClinVar aggregate classification (germline): Uncertain significance (1 of 4 stars; one submission).

gnomAD v4.1: 1 of 1,613,936 alleles (0.000062%); highest among the groups gnomAD compares: Non-Finnish European, 0.000085%; no homozygotes.

Submission:

Labcorp Genetics (formerly Invitae), Labcorp
Classification: Uncertain significance. Last evaluated: 2023-05-29. Review status: criteria provided, single submitter. Criteria: Invitae Variant Classification Sherloc (09022015). Collection method: clinical testing. Allele origin: germline.
Comment: In summary, the available evidence is currently insufficient to determine the role of this variant in disease. Therefore, it has been classified as a Variant of Uncertain Significance. An algorithm developed to predict the effect of missense changes on protein structure and function (PolyPhen-2) suggests that this variant is likely to be tolerated. This missense change has been observed in at least one individual who was not affected with CUL3-related conditions (Invitae). This variant has not been reported in the literature in individuals affected with CUL3-related conditions. This variant is not present in population databases (gnomAD no frequency). This sequence change replaces serine, which is neutral and polar, with cysteine, which is neutral and slightly polar, at codon 585 of the CUL3 protein (p.Ser585Cys).